The following is an entry in ClinVar:

ClinVar aggregate classification (germline): Uncertain significance. Review status: criteria provided, multiple submitters, no conflicts (2 of 4 stars). 2 submissions from 2 submitters: Uncertain significance (2). Last evaluated 2026-04-23.

Conditions:
Neurodevelopmental disorder with or without hyperkinetic movements and seizures, autosomal dominant. Also called: Intellectual disability, autosomal dominant 8. Identifiers: MedGen C3280282, MONDO:0013655, OMIM 614254.

Submissions (2):

GeneDx
Classification: Uncertain significance. Last evaluated: 2026-04-23. Review status: criteria provided, single submitter. Criteria: GeneDx Variant Classification Process June 2021. Collection method: clinical testing. Allele origin: germline.
Comment: Not observed at significant frequency in large population cohorts (gnomAD); In silico analysis supports that this missense variant has a deleterious effect on protein structure/function; Has not been previously published as pathogenic or benign to our knowledge

Labcorp Genetics (formerly Invitae), Labcorp
Classification: Uncertain significance for Neurodevelopmental disorder with or without hyperkinetic movements and seizures, autosomal dominant. Last evaluated: 2024-10-28. Review status: criteria provided, single submitter. Criteria: Invitae Variant Classification Sherloc (09022015). Collection method: clinical testing. Allele origin: germline.
Comment: This sequence change replaces tryptophan, which is neutral and slightly polar, with cysteine, which is neutral and slightly polar, at codon 498 of the GRIN1 protein (p.Trp498Cys). This variant is not present in population databases (gnomAD no frequency). This variant has not been reported in the literature in individuals affected with GRIN1-related conditions. Invitae Evidence Modeling of protein sequence and biophysical properties (such as structural, functional, and spatial information, amino acid conservation, physicochemical variation, residue mobility, and thermodynamic stability) has been performed for this missense variant. However, the output from this modeling did not meet the statistical confidence thresholds required to predict the impact of this variant on GRIN1 protein function. In summary, the available evidence is currently insufficient to determine the role of this variant in disease. Therefore, it has been classified as a Variant of Uncertain Significance.

NM_007327.4(GRIN1):c.1494G>T (p.Trp498Cys)

Gene: GRIN1 (glutamate ionotropic receptor NMDA type subunit 1; plus strand). Cytogenetic location: 9q34.3.
Variant type: single nucleotide variant.
Coding change: c.1494G>T on transcript NM_007327.4 (MANE Select); coding-DNA position 1494, G replaced by T.
Protein change: p.Trp498Cys; replaces tryptophan 498 with cysteine.
Molecular consequence: missense variant.
Genome position (GRCh38, 1-based): chr9:137,161,950, G>T. VCF-style: chr9-137161950-G-T. GRCh37 (hg19) VCF-style: chr9-140056402-G-T.
Other names: c.1494G>T, p.Trp498Cys (NM_000832.7, NM_021569.4); c.1557G>T, p.Trp519Cys (NM_001185090.2, NM_001185091.2); c.1494G>T (NM_007327.3); short protein forms W498C, W519C.
Identifiers: ClinVar variation 3720511 (VCV003720511.3).